The following is an entry in ClinVar:

ClinVar aggregate classification (germline): Pathogenic (1 of 4 stars; one submission).

Conditions:
Neuromuscular disease caused by qualitative or quantitative defects of dystrophin. Also called: Qualitative or quantitative defects of dystrophin. Identifiers: Orphanet 207085, MedGen C5679787, MONDO:0016147.

Submission:

Women's Health and Genetics/Laboratory Corporation of America, LabCorp
Classification: Pathogenic for Neuromuscular disease caused by qualitative or quantitative defects of dystrophin. Last evaluated: 2025-01-30. Review status: criteria provided, single submitter. Criteria: LabCorp Variant Classification Summary - May 2015. Collection method: clinical testing. Allele origin: germline.
Comment: Variant summary: The variant involves the deletion of exons 3-55 in the DMD gene. This Copy Number Variant (CNV) is predicted to result in an in-frame deletion within this gene. A presumed nomenclature of c.(93+1_94-1)_(8217+1_8218-1)del has been designated for the purposes of this classification. The variant was absent in 16120 control chromosomes (gnomAD, Structural Variants dataset). Deletion of exons 3-55 has been detected in at least one individual/family affected with Dystrophinopathies, as cited in HGMD (CG1825747). Smaller in-frame deletion involving exons within this region of the DMD gene has been reported in affected individuals and is classified pathogenic (Variation ID: 3248256.). Based on the evidence outlined above, the variant was classified as pathogenic.

NC_000023.10:g.(31525571_31645789)_(32867938_33038255)del

Gene: DMD (dystrophin; minus strand). Cytogenetic location: Xp21.1.
Variant type: Deletion.
Identifiers: ClinVar variation 1804757 (VCV001804757.2).